The following is an entry in ClinVar:

NM_001267550.2(TTN):c.97841G>C (p.Arg32614Thr)

Genes: TTN (titin; minus strand), TTN-AS1 (TTN antisense RNA 1; plus strand). Cytogenetic location: 2q31.2.
Variant type: single nucleotide variant.
Coding change: c.97841G>C on transcript NM_001267550.2 (MANE Select); coding-DNA position 97841, G replaced by C.
Protein change: p.Arg32614Thr; replaces arginine 32614 with threonine.
Molecular consequence: missense variant.
Genome position (GRCh38, 1-based): chr2:178,540,325, C>G on the plus strand (G>C on the coding strand, the complement: TTN is on the minus strand). VCF-style: chr2-178540325-C-G. GRCh37 (hg19) VCF-style: chr2-179405052-C-G.
Other names: c.92918G>C, p.Arg30973Thr (NM_001256850.1); c.70646G>C, p.Arg23549Thr (NM_003319.4); c.90137G>C, p.Arg30046Thr (NM_133378.4); c.71021G>C, p.Arg23674Thr (NM_133432.3); c.71222G>C, p.Arg23741Thr (NM_133437.4); short protein forms R23549T, R23674T, R23741T, R30046T, R30973T, R32614T.
Identifiers: ClinVar variation 3767611 (VCV003767611.1).

ClinVar aggregate classification (germline): Uncertain significance (1 of 4 stars; one submission).

Submission:

GeneDx
Classification: Uncertain significance. Last evaluated: 2024-09-10. Review status: criteria provided, single submitter. Criteria: GeneDx Variant Classification Process June 2021. Collection method: clinical testing. Allele origin: germline. Affected: yes.
Comment: Not observed at significant frequency in large population cohorts (gnomAD); Missense variant in a gene in which most reported pathogenic variants are truncating/loss of function; Has not been previously published as pathogenic or benign to our knowledge